The following is an entry in ClinVar:

NM_198506.5(LRIT3):c.1762A>T (p.Thr588Ser)

Gene: LRIT3 (leucine rich repeat, Ig-like and transmembrane domains 3; plus strand). Cytogenetic location: 4q25.
Variant type: single nucleotide variant.
Coding change: c.1762A>T on transcript NM_198506.5 (MANE Select); coding-DNA position 1762, A replaced by T.
Protein change: p.Thr588Ser; replaces threonine 588 with serine.
Molecular consequence: missense variant.
Genome position (GRCh38, 1-based): chr4:109,870,511, A>T. VCF-style: chr4-109870511-A-T. GRCh37 (hg19) VCF-style: chr4-110791667-A-T.
Other names: short protein forms T588S.
Identifiers: ClinVar variation 1058290 (VCV001058290.5), dbSNP rs2125901775, ClinGen allele CA357872744.

ClinVar aggregate classification (germline): Uncertain significance (1 of 4 stars; one submission).

Submission:

Labcorp Genetics (formerly Invitae), Labcorp
Classification: Uncertain significance. Last evaluated: 2022-02-01. Review status: criteria provided, single submitter. Criteria: Invitae Variant Classification Sherloc (09022015). Collection method: clinical testing. Allele origin: germline.
Comment: Algorithms developed to predict the effect of missense changes on protein structure and function output the following: SIFT: "Tolerated"; PolyPhen-2: "Benign"; Align-GVGD: "Class C0". The serine amino acid residue is found in multiple mammalian species, which suggests that this missense change does not adversely affect protein function. ClinVar contains an entry for this variant (Variation ID: 1058290). This variant has not been reported in the literature in individuals affected with LRIT3-related conditions. This variant is not present in population databases (gnomAD no frequency). This sequence change replaces threonine, which is neutral and polar, with serine, which is neutral and polar, at codon 588 of the LRIT3 protein (p.Thr588Ser). In summary, the available evidence is currently insufficient to determine the role of this variant in disease. Therefore, it has been classified as a Variant of Uncertain Significance.